The following is an entry in ClinVar:

ClinVar aggregate classification (germline): Uncertain significance (1 of 4 stars; one submission).

Conditions:
RASopathy. Also called: Noonan spectrum disorder; rasopathies. Identifiers: Orphanet 536391, MedGen C5555857, MONDO:0021060.

Submission:

Labcorp Genetics (formerly Invitae), Labcorp
Classification: Uncertain significance for RASopathy. Last evaluated: 2024-07-25. Review status: criteria provided, single submitter. Criteria: Invitae Variant Classification Sherloc (09022015). Collection method: clinical testing. Allele origin: germline.
Comment: This sequence change replaces glutamine, which is neutral and polar, with lysine, which is basic and polar, at codon 451 of the RAF1 protein (p.Gln451Lys). This variant is not present in population databases (gnomAD no frequency). This variant has not been reported in the literature in individuals affected with RAF1-related conditions. Advanced modeling of protein sequence and biophysical properties (such as structural, functional, and spatial information, amino acid conservation, physicochemical variation, residue mobility, and thermodynamic stability) performed at Invitae indicates that this missense variant is expected to disrupt RAF1 protein function with a positive predictive value of 95%. In summary, the available evidence is currently insufficient to determine the role of this variant in disease. Therefore, it has been classified as a Variant of Uncertain Significance.

NM_002880.4(RAF1):c.1351C>A (p.Gln451Lys)

Gene: RAF1 (Raf-1 proto-oncogene, serine/threonine kinase; minus strand). Cytogenetic location: 3p25.2.
Variant type: single nucleotide variant.
Coding change: c.1351C>A on transcript NM_002880.4 (MANE Select); coding-DNA position 1351, C replaced by A.
Protein change: p.Gln451Lys; replaces glutamine 451 with lysine.
Molecular consequence: missense variant. On other transcripts: non-coding transcript variant (3).
Genome position (GRCh38, 1-based): chr3:12,590,817, G>T on the plus strand (C>A on the coding strand, the complement: RAF1 is on the minus strand). VCF-style: chr3-12590817-G-T. GRCh37 (hg19) VCF-style: chr3-12632316-G-T.
Other names: c.1411C>A, p.Gln471Lys (NM_001354689.3); c.1351C>A, p.Gln451Lys (NM_001354690.3); c.1108C>A, p.Gln370Lys (NM_001354691.3, NM_001354692.3); c.1252C>A, p.Gln418Lys (NM_001354693.3); c.1168C>A, p.Gln390Lys (NM_001354694.3); c.1009C>A, p.Gln337Lys (NM_001354695.3); short protein forms Q418K, Q337K, Q390K, Q370K, Q451K, Q471K.
Identifiers: ClinVar variation 3635596 (VCV003635596.2).